The following is an entry in ClinVar:

ClinVar aggregate classification (germline): Likely pathogenic (1 of 4 stars; one submission).

Submission:

Labcorp Genetics (formerly Invitae), Labcorp
Classification: Likely pathogenic. Last evaluated: 2023-04-07. Review status: criteria provided, single submitter. Criteria: Invitae Variant Classification Sherloc (09022015). Collection method: clinical testing. Allele origin: germline.
Comment: This variant has not been reported in the literature in individuals affected with VPS13A-related conditions. ClinVar contains an entry for this variant (Variation ID: 2029495). This variant is not present in population databases (gnomAD no frequency). This sequence change affects a donor splice site in intron 48 of the VPS13A gene. It is expected to disrupt RNA splicing. Variants that disrupt the donor or acceptor splice site typically lead to a loss of protein function (PMID: 16199547), and loss-of-function variants in VPS13A are known to be pathogenic (PMID: 12404112, 21598378). In summary, the currently available evidence indicates that the variant is pathogenic, but additional data are needed to prove that conclusively. Therefore, this variant has been classified as Likely Pathogenic. Algorithms developed to predict the effect of sequence changes on RNA splicing suggest that this variant may disrupt the consensus splice site.

Literature cited by the submitters: PubMed 16199547; PubMed 12404112; PubMed 21598378.

NM_033305.3(VPS13A):c.6774+1G>A

Gene: VPS13A (vacuolar protein sorting 13 homolog A; plus strand). Cytogenetic location: 9q21.2.
Variant type: single nucleotide variant.
Coding change: c.6774+1G>A on transcript NM_033305.3 (MANE Select); the canonical splice donor site of the intron after coding-DNA position 6774, G replaced by A.
Molecular consequence: splice donor variant.
Genome position (GRCh38, 1-based): chr9:77,339,912, G>A. VCF-style: chr9-77339912-G-A. GRCh37 (hg19) VCF-style: chr9-79954828-G-A.
Other names: c.6657+1G>A (NM_001018037.2); c.6774+1G>A (NM_015186.4, NM_001018038.3).
Identifiers: ClinVar variation 2029495 (VCV002029495.4), dbSNP rs1830724241, ClinGen allele CA373851584.